The following is an entry in ClinVar:

NM_000138.5(FBN1):c.1403C>T (p.Thr468Ile)

Gene: FBN1 (fibrillin 1; minus strand). Cytogenetic location: 15q21.1.
Variant type: single nucleotide variant.
Coding change: c.1403C>T on transcript NM_000138.5 (MANE Select); coding-DNA position 1403, C replaced by T.
Protein change: p.Thr468Ile; replaces threonine 468 with isoleucine.
Molecular consequence: missense variant.
Genome position (GRCh38, 1-based): chr15:48,515,452, G>A on the plus strand (C>T on the coding strand, the complement: FBN1 is on the minus strand). VCF-style: chr15-48515452-G-A. GRCh37 (hg19) VCF-style: chr15-48807649-G-A.
Other names: c.1403C>T, p.Thr468Ile (NM_001406716.1); short protein forms T468I.
Identifiers: ClinVar variation 3386852 (VCV003386852.2).

ClinVar aggregate classification (germline): Uncertain significance. Review status: criteria provided, multiple submitters, no conflicts (2 of 4 stars). 2 submissions from 2 submitters: Uncertain significance (2). Last evaluated 2025-09-14.

Conditions:
Marfan syndrome (MFS). Also called: MARFAN SYNDROME, TYPE I; Marfan syndrome type 1; Marfan's syndrome; FBN1-Related Marfan Syndrome; Marfan syndrome, classic. Identifiers: Orphanet 284963, Orphanet 558, MedGen C0024796, MONDO:0007947, OMIM 154700.
Familial thoracic aortic aneurysm and aortic dissection (TAAD). Also called: Thoracic aortic aneurysms and dissections. Identifiers: Orphanet 91387, MedGen C4707243, MONDO:0019625.

Submissions (2):

Labcorp Genetics (formerly Invitae), Labcorp
Classification: Uncertain significance for Marfan syndrome; Familial thoracic aortic aneurysm and aortic dissection. Last evaluated: 2025-09-14. Review status: criteria provided, single submitter. Criteria: Invitae Variant Classification Sherloc (09022015). Collection method: clinical testing. Allele origin: germline.
Comment: This sequence change replaces threonine, which is neutral and polar, with isoleucine, which is neutral and non-polar, at codon 468 of the FBN1 protein (p.Thr468Ile). This variant is not present in population databases (gnomAD no frequency). This variant has not been reported in the literature in individuals affected with FBN1-related conditions. ClinVar contains an entry for this variant (Variation ID: 3386852). Invitae Evidence Modeling of protein sequence and biophysical properties (such as structural, functional, and spatial information, amino acid conservation, physicochemical variation, residue mobility, and thermodynamic stability) has been performed for this missense variant. However, the output from this modeling did not meet the statistical confidence thresholds required to predict the impact of this variant on FBN1 protein function. In summary, the available evidence is currently insufficient to determine the role of this variant in disease. Therefore, it has been classified as a Variant of Uncertain Significance.

All of Us Research Program, National Institutes of Health
Classification: Uncertain significance for Marfan syndrome. Last evaluated: 2024-08-30. Review status: criteria provided, single submitter. Criteria: ACMG Guidelines, 2015. Collection method: clinical testing. Allele origin: germline. Inheritance: Autosomal dominant inheritance. Observed: 1 variant allele, 1 heterozygote.
Comment: This study involves interpretation of variants in research participants for the purpose of population health screening. Participant phenotype was not available at the time of variant classification. Additional details can be found in publication PMID: 35346344, PMCID: PMC8962531